The following is an entry in ClinVar:

NM_001287.6(CLCN7):c.1724G>C (p.Ser575Thr)

Gene: CLCN7 (chloride voltage-gated channel 7; minus strand). Cytogenetic location: 16p13.3.
Variant type: single nucleotide variant.
Coding change: c.1724G>C on transcript NM_001287.6 (MANE Select); coding-DNA position 1724, G replaced by C.
Protein change: p.Ser575Thr; replaces serine 575 with threonine.
Molecular consequence: missense variant.
Genome position (GRCh38, 1-based): chr16:1,449,039, C>G on the plus strand (G>C on the coding strand, the complement: CLCN7 is on the minus strand). VCF-style: chr16-1449039-C-G. GRCh37 (hg19) VCF-style: chr16-1499040-C-G.
Other names: c.1652G>C, p.Ser551Thr (NM_001114331.3); short protein forms S551T, S575T.
Identifiers: ClinVar variation 1512965 (VCV001512965.8), dbSNP rs2142368545, ClinGen allele CA394186756.

ClinVar aggregate classification (germline): Uncertain significance (1 of 4 stars; one submission).

Submission:

Labcorp Genetics (formerly Invitae), Labcorp
Classification: Uncertain significance. Last evaluated: 2021-06-14. Review status: criteria provided, single submitter. Criteria: Invitae Variant Classification Sherloc (09022015). Collection method: clinical testing. Allele origin: germline.
Comment: This sequence change replaces serine with threonine at codon 575 of the CLCN7 protein (p.Ser575Thr). The serine residue is weakly conserved and there is a small physicochemical difference between serine and threonine. This variant is not present in population databases (ExAC no frequency). This variant has not been reported in the literature in individuals with CLCN7-related conditions. Algorithms developed to predict the effect of missense changes on protein structure and function (SIFT, PolyPhen-2, Align-GVGD) all suggest that this variant is likely to be tolerated, but these predictions have not been confirmed by published functional studies and their clinical significance is uncertain. In summary, the available evidence is currently insufficient to determine the role of this variant in disease. Therefore, it has been classified as a Variant of Uncertain Significance.